The following is an entry in ClinVar:

ClinVar aggregate classification (germline): Uncertain significance (1 of 4 stars; one submission).

Conditions:
Deficiency of alpha-mannosidase (MANSA). Also called: Mannosidosis, alpha-, types I and II; Alpha-Mannosidosis; LYSOSOMAL ALPHA-D-MANNOSIDASE DEFICIENCY. Identifiers: Orphanet 61, MedGen C0024748, MONDO:0009561, OMIM 248500.

Allele frequency attached by ClinVar (database versions not stated): gnomAD exomes 0.00001 and 0.00005; gnomAD 0.00003; TOPMed 0.00004; ExAC 0.00006.
gnomAD v4.1: 19 of 1,597,432 alleles (0.0012%); highest among the groups gnomAD compares: Admixed American, 0.024%; no homozygotes.

Submission:

Labcorp Genetics (formerly Invitae), Labcorp
Classification: Uncertain significance for Deficiency of alpha-mannosidase. Last evaluated: 2022-08-21. Review status: criteria provided, single submitter. Criteria: Invitae Variant Classification Sherloc (09022015). Collection method: clinical testing. Allele origin: germline.
Comment: This sequence change replaces arginine, which is basic and polar, with glutamine, which is neutral and polar, at codon 757 of the MAN2B1 protein (p.Arg757Gln). This variant is present in population databases (rs772264672, gnomAD 0.03%). This variant has not been reported in the literature in individuals affected with MAN2B1-related conditions. ClinVar contains an entry for this variant (Variation ID: 1522028). Algorithms developed to predict the effect of missense changes on protein structure and function are either unavailable or do not agree on the potential impact of this missense change (SIFT: "Tolerated"; PolyPhen-2: "Possibly Damaging"; Align-GVGD: "Class C0"). Algorithms developed to predict the effect of sequence changes on RNA splicing suggest that this variant may create or strengthen a splice site. In summary, the available evidence is currently insufficient to determine the role of this variant in disease. Therefore, it has been classified as a Variant of Uncertain Significance.

NM_000528.4(MAN2B1):c.2270G>A (p.Arg757Gln)

Gene: MAN2B1 (mannosidase alpha class 2B member 1; minus strand). Cytogenetic location: 19p13.13.
Variant type: single nucleotide variant.
Coding change: c.2270G>A on transcript NM_000528.4 (MANE Select); coding-DNA position 2270, G replaced by A.
Protein change: p.Arg757Gln; replaces arginine 757 with glutamine.
Molecular consequence: missense variant.
Genome position (GRCh38, 1-based): chr19:12,649,426, C>T on the plus strand (G>A on the coding strand, the complement: MAN2B1 is on the minus strand). VCF-style: chr19-12649426-C-T. GRCh37 (hg19) VCF-style: chr19-12760240-C-T.
Other names: c.2267G>A, p.Arg756Gln (NM_001173498.2); short protein forms R756Q, R757Q.
Identifiers: ClinVar variation 1522028 (VCV001522028.5), dbSNP rs772264672, ClinGen allele CA9226093.